The following is an entry in ClinVar:

NM_003482.4(KMT2D):c.2278_2331del (p.His760_Pro777del)

Gene: KMT2D (lysine methyltransferase 2D; minus strand). Cytogenetic location: 12q13.12.
Variant type: Deletion.
Coding change: c.2278_2331del on transcript NM_003482.4 (MANE Select); coding-DNA positions 2278 to 2331, 54 bases deleted.
Protein change: p.His760_Pro777del.
Molecular consequence: inframe deletion.
Genome position (GRCh38, 1-based): chr12:49,051,352-49,051,405, 54 bases deleted. GRCh37 (hg19): chr12:49,445,148-49,445,201.
Identifiers: ClinVar variation 1478100 (VCV001478100.8), dbSNP rs1565817107, ClinGen allele CA6548282.

ClinVar aggregate classification (germline): Uncertain significance (1 of 4 stars; one submission).

Conditions:
Kabuki syndrome. Also called: NIIKAWA-KUROKI SYNDROME; Kabuki make-up syndrome. Identifiers: Orphanet 2322, MedGen C0796004, MONDO:0016512.

Submission:

Labcorp Genetics (formerly Invitae), Labcorp
Classification: Uncertain significance for Kabuki syndrome. Last evaluated: 2024-10-23. Review status: criteria provided, single submitter. Criteria: Invitae Variant Classification Sherloc (09022015). Collection method: clinical testing. Allele origin: germline.
Comment: This variant, c.2278_2331del, results in the deletion of 18 amino acid(s) of the KMT2D protein (p.His760_Pro777del), but otherwise preserves the integrity of the reading frame. This variant is present in population databases (no rsID available, gnomAD 0.003%). This variant has not been reported in the literature in individuals affected with KMT2D-related conditions. ClinVar contains an entry for this variant (Variation ID: 1478100). Experimental studies and prediction algorithms are not available or were not evaluated, and the functional significance of this variant is currently unknown. In summary, the available evidence is currently insufficient to determine the role of this variant in disease. Therefore, it has been classified as a Variant of Uncertain Significance.